The following is an entry in ClinVar:

NM_001101426.4(CRPPA):c.258-2A>G

Gene: CRPPA (CDP-L-ribitol pyrophosphorylase A; minus strand). Cytogenetic location: 7p21.2.
Variant type: single nucleotide variant.
Coding change: c.258-2A>G on transcript NM_001101426.4 (MANE Select); the canonical splice acceptor site of the intron before coding-DNA position 258, A replaced by G.
Molecular consequence: splice acceptor variant.
Genome position (GRCh38, 1-based): chr7:16,406,339, T>C on the plus strand (A>G on the coding strand, the complement: CRPPA is on the minus strand). VCF-style: chr7-16406339-T-C. GRCh37 (hg19) VCF-style: chr7-16445964-T-C.
Other names: c.258-2A>G (NM_001101417.4, NM_001368197.1).
Identifiers: ClinVar variation 1805380 (VCV001805380.2), dbSNP rs2546749179, ClinGen allele CA367003005.

ClinVar aggregate classification (germline): Pathogenic (1 of 4 stars; one submission).

Conditions:
Muscular dystrophy-dystroglycanopathy (congenital with brain and eye anomalies), type A, 7. Also called: WALKER-WARBURG SYNDROME OR MUSCLE-EYE-BRAIN DISEASE, ISPD-RELATED; Congenital muscular dystrophy-dystroglycanopathy with brain and eye anomalies, type A7. Identifiers: Orphanet 899, MedGen C3553330, MONDO:0013835, OMIM 614643.

Allele frequency attached by ClinVar (database versions not stated): gnomAD exomes below 0.00001.
gnomAD v4.1: 1 of 1,611,284 alleles (0.000062%); highest among the groups gnomAD compares: Middle Eastern, 0.017%; no homozygotes.

Submission:

Victorian Clinical Genetics Services, Murdoch Childrens Research Institute
Classification: Pathogenic for Muscular dystrophy-dystroglycanopathy (congenital with brain and eye anomalies), type A, 7. Last evaluated: 2022-03-31. Review status: criteria provided, single submitter. Criteria: ACMG Guidelines, 2015. Collection method: clinical testing. Allele origin: germline. Affected: yes.
Comment: Based on the classification scheme VCGS_Germline_v1.3.4, this variant is classified as Pathogenic. Following criteria are met: 0102 - Loss of function is a known mechanism of disease in this gene and is associated with muscular dystrophy-dystroglycanopathy (congenital with brain and eye anomalies), type A, 7 (MIM#614643) and muscular dystrophy-dystroglycanopathy (limb-girdle), type C, 7 (MIM#616052). (I) 0106 - This gene is associated with autosomal recessive disease. (I) 0211 - Canonical splice site variant without proven consequence on splicing (no functional evidence available). (SP) 0251 - This variant is heterozygous. (I) 0301 - Variant is absent from gnomAD (both v2 and v3). (SP) 0505 - Abnormal splicing is predicted by in silico tools and affected nucleotide is highly conserved. (SP) 0703 - Two canonical splice site variants comparable to the one identified in this case have moderate previous evidence for pathogenicity. One alternative canonical splice site variant, c.258-1G>C, has been reported as pathogenic and likely pathogenic in ClinVar and also in a heterozygous individual from a cohort of inherited muscular disorders (PMID: 27363342). And the other one, c.258-1G>A has been reported in a compound heterozygous individual with Walker Warburg Syndrome (PMID: 28688748). (SP) 0807 - This variant has no previous evidence of pathogenicity. (I) 0905 - No published segregation evidence has been identified for this variant. (I) 1007 - No published functional evidence has been identified for this variant. (I) Legend: (SP) - Supporting pathogenic, (I) - Information, (SB) - Supporting benign

Literature cited by the submitters: PubMed 27363342; PubMed 28688748.